The following is an entry in ClinVar:

ClinVar aggregate classification (germline): Conflicting classifications of pathogenicity. Review status: criteria provided, conflicting classifications (1 of 4 stars). 10 submissions from 5 submitters: Uncertain significance (1); Benign (9). Last evaluated 2026-01-13.

Conditions:
Hereditary cryohydrocytosis with reduced stomatin. Also called: Stomatin-deficient cryohydrocytosis with neurologic defects; GLUT1 DEFICIENCY SYNDROME WITH PSEUDOHYPERKALEMIA AND HEMOLYSIS. Identifiers: Orphanet 168577, MedGen C1837206, MONDO:0012143, OMIM 608885.
Epilepsy, idiopathic generalized, susceptibility to, 12 (EIG12). Identifiers: MedGen C3553859, MONDO:0013919, OMIM 614847.
Dystonia 9 (DYT9). Also called: CHOREOATHETOSIS, KINESIGENIC, WITH EPISODIC ATAXIA AND SPASTICITY. Identifiers: Orphanet 53583, MedGen C1832855, MONDO:0010983, OMIM 601042.
Childhood onset GLUT1 deficiency syndrome 2. Also called: PxMD-SLC2A1; Exertion-induced paroxysmal dyskinesia; Paroxysmal exercise-induced dystonia; PAROXYSMAL EXERCISE-INDUCED DYSKINESIA WITH OR WITHOUT EPILEPSY AND/OR HEMOLYTIC ANEMIA; PAROXYSMAL EXERTION-INDUCED DYSTONIA WITH OR WITHOUT EPILEPSY AND/OR HEMOLYTIC ANEMIA; PED WITH OR WITHOUT EPILEPSY AND/OR HEMOLYTIC ANEMIA. Identifiers: Orphanet 98811, MedGen C1842534, MONDO:0012805, OMIM 612126.
GLUT1 deficiency syndrome 1, autosomal recessive. Identifiers: MedGen C3149117.
Encephalopathy due to GLUT1 deficiency. Also called: Glucose transporter protein syndrome; GLUT1 deficiency syndrome 1, infantile onset, severe; GLUCOSE TRANSPORT DEFECT, BLOOD-BRAIN BARRIER; De Vivo disease; GLUT1 deficiency syndrome 1; Classic Glucose Transporter Type 1 Deficiency Syndrome. Identifiers: Orphanet 71277, MedGen C4551966, MONDO:0011724, OMIM 606777.

Allele frequency attached by ClinVar (database versions not stated): ESP Exome Variant Server 0.00008; gnomAD exomes 0.00011 and 0.00025; gnomAD 0.00014; ExAC 0.00015; TOPMed 0.00017.
gnomAD v4.1: 208 of 1,614,028 alleles (0.013%); highest among the groups gnomAD compares: Non-Finnish European, 0.0019%; no homozygotes.

Submissions (10):

Labcorp Genetics (formerly Invitae), Labcorp
Classification: Benign for GLUT1 deficiency syndrome 1, autosomal recessive. Last evaluated: 2026-01-13. Review status: criteria provided, single submitter. Criteria: Invitae Variant Classification Sherloc (09022015). Collection method: clinical testing. Allele origin: germline.

Blueprint Genetics
Classification: Uncertain significance. Last evaluated: 2024-11-05. Review status: criteria provided, single submitter. Criteria: ACMG Guidelines, 2015. Collection method: clinical testing. Allele origin: germline.

Genome-Nilou Lab
Classification: Benign for Epilepsy, idiopathic generalized, susceptibility to, 12. Last evaluated: 2023-04-11. Review status: criteria provided, single submitter. Criteria: ACMG Guidelines, 2015. Collection method: clinical testing. Allele origin: germline. Affected: no.

Genome-Nilou Lab
Classification: Benign for Dystonia 9. Last evaluated: 2023-04-11. Review status: criteria provided, single submitter. Criteria: ACMG Guidelines, 2015. Collection method: clinical testing. Allele origin: germline. Affected: no.

Genome-Nilou Lab
Classification: Benign for Encephalopathy due to GLUT1 deficiency. Last evaluated: 2023-04-11. Review status: criteria provided, single submitter. Criteria: ACMG Guidelines, 2015. Collection method: clinical testing. Allele origin: germline. Affected: no.

Genome-Nilou Lab
Classification: Benign for Childhood onset GLUT1 deficiency syndrome 2. Last evaluated: 2023-04-11. Review status: criteria provided, single submitter. Criteria: ACMG Guidelines, 2015. Collection method: clinical testing. Allele origin: germline. Affected: no.

Genome-Nilou Lab
Classification: Benign for Hereditary cryohydrocytosis with reduced stomatin. Last evaluated: 2023-04-11. Review status: criteria provided, single submitter. Criteria: ACMG Guidelines, 2015. Collection method: clinical testing. Allele origin: germline. Affected: no.

GeneDx
Classification: Benign. Last evaluated: 2019-05-17. Review status: criteria provided, single submitter. Criteria: GeneDx Variant Classification Process June 2021. Collection method: clinical testing. Allele origin: germline. Affected: yes.

Illumina Laboratory Services, Illumina
Classification: Benign for Encephalopathy due to GLUT1 deficiency. Last evaluated: 2017-04-28. Review status: criteria provided, single submitter. Criteria: ICSL Variant Classification Criteria 13 December 2019. Collection method: clinical testing. Allele origin: germline.
Comment: This variant was observed as part of a predisposition screen in an ostensibly healthy population. A literature search was performed for the gene, cDNA change, and amino acid change (where applicable). No publications were found based on this search. Allele frequency data from public databases was too high to be consistent with this variant causing disease. Therefore, this variant is classified as benign.

Illumina Laboratory Services, Illumina
Classification: Benign for Dystonia 9. Last evaluated: 2017-04-28. Review status: criteria provided, single submitter. Criteria: ICSL Variant Classification Criteria 13 December 2019. Collection method: clinical testing. Allele origin: germline.
Comment: This variant was observed as part of a predisposition screen in an ostensibly healthy population. A literature search was performed for the gene, cDNA change, and amino acid change (where applicable). Publications were found based on this search. The evidence from the literature, in combination with allele frequency data from public databases where available, was sufficient to rule this variant out of causing disease. Therefore, this variant is classified as benign.

Literature cited by the submitters: PubMed 21832227 (cited by Illumina Laboratory Services, Illumina).

NM_006516.4(SLC2A1):c.138G>C (p.Gln46His)

Gene: SLC2A1 (solute carrier family 2 member 1; minus strand). Cytogenetic location: 1p34.2.
Variant type: single nucleotide variant.
Coding change: c.138G>C on transcript NM_006516.4 (MANE Select); coding-DNA position 138, G replaced by C.
Protein change: p.Gln46His; replaces glutamine 46 with histidine.
Molecular consequence: missense variant.
Genome position (GRCh38, 1-based): chr1:42,931,183, C>G on the plus strand (G>C on the coding strand, the complement: SLC2A1 is on the minus strand). VCF-style: chr1-42931183-C-G. GRCh37 (hg19) VCF-style: chr1-43396854-C-G.
Other names: p.Q46H:CAG>CAC; short protein forms Q46H.
Identifiers: ClinVar variation 207187 (VCV000207187.20), dbSNP rs149998596, ClinGen allele CA318421.
Genomic context (GRCh38, chr1:42,931,183, plus strand): 5'-GGACCAGAGCGTGGTGAGCGTGGTGGGCAGGATGCTCTCCCCATAGCGGTGGACCCATGT[C>G]TGGTTGTAGAACTCCTCGATCACCTGCAGGGGGAGATGCAGCCTGGGTGAGCAAGCCAGG-3'
Protein context (NP_006507.2, residues 36-56): PQKVIEEFYN[Gln46His]TWVHRYGESI